The following is an entry in ClinVar:

NM_021831.6(AGBL5):c.2360G>A (p.Arg787Lys)

Gene: AGBL5 (AGBL carboxypeptidase 5; plus strand). Cytogenetic location: 2p23.3.
Variant type: single nucleotide variant.
Coding change: c.2360G>A on transcript NM_021831.6 (MANE Select); coding-DNA position 2360, G replaced by A.
Protein change: p.Arg787Lys; replaces arginine 787 with lysine.
Molecular consequence: missense variant. On other transcripts: non-coding transcript variant (2).
Genome position (GRCh38, 1-based): chr2:27,069,577, G>A. VCF-style: chr2-27069577-G-A. GRCh37 (hg19) VCF-style: chr2-27292445-G-A.
Other names: c.2360G>A, p.Arg787Lys (NM_001035506.1); short protein forms R787K.
Identifiers: ClinVar variation 1926977 (VCV001926977.6), dbSNP rs199568545, ClinGen allele CA1568229.

ClinVar aggregate classification (germline): Uncertain significance. Review status: criteria provided, multiple submitters, no conflicts (2 of 4 stars). 2 submissions from 2 submitters: Uncertain significance (2). Last evaluated 2022-09-23.

Allele frequency attached by ClinVar (database versions not stated): gnomAD 0.00001.
gnomAD v4.1: 22 of 1,613,810 alleles (0.0014%); highest among the groups gnomAD compares: Middle Eastern, 0.12%; no homozygotes.

Submissions (2):

Blueprint Genetics
Classification: Uncertain significance. Last evaluated: 2022-09-23. Review status: criteria provided, single submitter. Criteria: ACMG Guidelines, 2015. Collection method: clinical testing. Allele origin: germline.

Labcorp Genetics (formerly Invitae), Labcorp
Classification: Uncertain significance. Last evaluated: 2022-06-22. Review status: criteria provided, single submitter. Criteria: Invitae Variant Classification Sherloc (09022015). Collection method: clinical testing. Allele origin: germline.
Comment: This variant is present in population databases (rs199568545, gnomAD 0.002%). This sequence change replaces arginine, which is basic and polar, with lysine, which is basic and polar, at codon 787 of the AGBL5 protein (p.Arg787Lys). In summary, the available evidence is currently insufficient to determine the role of this variant in disease. Therefore, it has been classified as a Variant of Uncertain Significance. Algorithms developed to predict the effect of missense changes on protein structure and function (SIFT, PolyPhen-2, Align-GVGD) all suggest that this variant is likely to be tolerated. This variant has not been reported in the literature in individuals affected with AGBL5-related conditions.